The following is an entry in ClinVar:

ClinVar aggregate classification (germline): Pathogenic (1 of 4 stars; one submission).

Conditions:
Cystic fibrosis (CF). Also called: MUCOVISCIDOSIS. Identifiers: Orphanet 586, MedGen C0010674, MONDO:0009061, OMIM 219700. Disease mechanism: loss of function.

Submission:

Women's Health and Genetics/Laboratory Corporation of America, LabCorp
Classification: Pathogenic for Cystic fibrosis. Last evaluated: 2025-03-11. Review status: criteria provided, single submitter. Criteria: LabCorp Variant Classification Summary - May 2015. Collection method: clinical testing. Allele origin: germline.
Comment: Variant summary: The variant involves the deletion of exons 10-15 in the CFTR gene. A presumed nomenclature of c.(1209+1_1210-1)_(2619+1_2620-1)del has been designated for the purposes of this classification. This Copy Number Variant (CNV) is predicted to result in an in-frame deletion within this gene. At-least one missense variant (p.His609Arg) within the deleted interval has been associated with disease. The variant was absent in 21694 control chromosomes. To our knowledge, no occurrence of c.(1209+1_1210-1)_(2619+1_2620-1)del in individuals affected with Cystic Fibrosis and no experimental evidence demonstrating its impact on protein function have been reported. No submitters have cited clinical-significance assessments for this variant to ClinVar. Based on the evidence outlined above, the variant was classified as pathogenic.

NC_000007.13:g.(117182163_117188694)_(117235113_117242879)del

Gene: CFTR (CF transmembrane conductance regulator; plus strand). Cytogenetic location: 7q31.2.
Variant type: Deletion.
Identifiers: ClinVar variation 3895713 (VCV003895713.1).